The following is an entry in ClinVar:

ClinVar aggregate classification (germline): Uncertain significance (1 of 4 stars; one submission).

Allele frequency attached by ClinVar (database versions not stated): gnomAD exomes below 0.00001; ExAC 0.00001.
gnomAD v4.1: 4 of 1,614,154 alleles (0.00025%); highest among the groups gnomAD compares: South Asian, 0.0022%; no homozygotes.

Submission:

Ambry Genetics
Classification: Uncertain significance. Last evaluated: 2024-10-12. Review status: criteria provided, single submitter. Criteria: Ambry Variant Classification Scheme 2023. Collection method: clinical testing. Allele origin: germline.
Comment: The p.I244V variant (also known as c.730A>G), located in coding exon 6 of the RINT1 gene, results from an A to G substitution at nucleotide position 730. The isoleucine at codon 244 is replaced by valine, an amino acid with highly similar properties. This variant was reported in 1/60,466 breast cancer cases and in 1/53,461 controls (Dorling et al. N Engl J Med. 2021 02;384:428-439). This amino acid position is not well conserved in available vertebrate species. In addition, this alteration is predicted to be tolerated by in silico analysis. Since supporting evidence is limited at this time, the clinical significance of this alteration remains unclear.

Literature cited by the submitters: PubMed 33471991.

NM_021930.6(RINT1):c.730A>G (p.Ile244Val)

Gene: RINT1 (RAD50 interactor 1; plus strand). Cytogenetic location: 7q22.3.
Variant type: single nucleotide variant.
Coding change: c.730A>G on transcript NM_021930.6 (MANE Select); coding-DNA position 730, A replaced by G.
Protein change: p.Ile244Val; replaces isoleucine 244 with valine.
Molecular consequence: missense variant. On other transcripts: 5 prime UTR variant (2), non-coding transcript variant (1), intron variant (1).
Genome position (GRCh38, 1-based): chr7:105,547,224, A>G. VCF-style: chr7-105547224-A-G. GRCh37 (hg19) VCF-style: chr7-105187671-A-G.
Other names: c.496A>G, p.Ile166Val (NM_001346599.2); c.-290A>G (NM_001346600.2); c.-193A>G (NM_001346601.2); c.-27-2831A>G (NM_001346603.2); short protein forms I244V, I166V.
Identifiers: ClinVar variation 1758235 (VCV001758235.3), dbSNP rs769393675, ClinGen allele CA4426511.
Genomic context (GRCh38, chr7:105,547,224, plus strand): 5'-GTGTTACTTTTCCATTGCAGTGATTTTGAGGAAATTTTAGCACAGCTTCATTGGCCATTC[A>G]TCGCACCCCCTCAATCACAAACTGTTGGCTTAAGTCGACCTGCCAGTGCCCCGGAGATAT-3'
Protein context (NP_068749.3, residues 234-254): EILAQLHWPF[Ile244Val]APPQSQTVGL